The following is an entry in ClinVar:

ClinVar aggregate classification (germline): Uncertain significance. Review status: criteria provided, multiple submitters, no conflicts (2 of 4 stars). 8 submissions from 8 submitters: Uncertain significance (8). Last evaluated 2025-01-08.

Conditions:
Inborn genetic diseases. Identifiers: MedGen C0950123, MeSH D030342.
Jeune thoracic dystrophy. Also called: Short-rib thoracic dysplasia; Jeune syndrome; Infantile thoracic dystrophy; Thoracic pelvic phalangeal dystrophy; Jeune's syndrome; Chondroectodermal dysplasia-like syndrome. Identifiers: Orphanet 474, MedGen C0265275, MONDO:0018770.
Asphyxiating thoracic dystrophy 3. Also called: Saldino-Noonan Syndrome; SHORT-RIB THORACIC DYSPLASIA 3 WITH OR WITHOUT POLYDACTYLY; POLYDACTYLY WITH NEONATAL CHONDRODYSTROPHY, TYPE I; SHORT-RIB THORACIC DYSPLASIA 3/6 WITH POLYDACTYLY, DIGENIC; Short rib polydactyly syndrome 2B. Identifiers: Orphanet 474, Orphanet 93269, Orphanet 93270, Orphanet 93271, MedGen C0036069, MONDO:0013127, OMIM 613091.

Allele frequency attached by ClinVar (database versions not stated): ESP Exome Variant Server 0.00017; ExAC 0.00018; gnomAD exomes 0.00019 and 0.00046; TOPMed 0.00022; gnomAD 0.00027.
gnomAD v4.1: 700 of 1,602,844 alleles (0.044%); highest among the groups gnomAD compares: Non-Finnish European, 0.057%; no homozygotes.

Submissions (8):

Ambry Genetics
Classification: Uncertain significance for Inborn genetic diseases. Last evaluated: 2025-01-08. Review status: criteria provided, single submitter. Criteria: Ambry Variant Classification Scheme 2023. Collection method: clinical testing. Allele origin: germline.

ARUP Laboratories, Molecular Genetics and Genomics, ARUP Laboratories
Classification: Uncertain significance for Asphyxiating thoracic dystrophy 3. Last evaluated: 2024-10-28. Review status: criteria provided, single submitter. Criteria: ARUP Molecular Germline Variant Investigation Process 2024. Collection method: clinical testing. Allele origin: germline.
Comment: The DYNC2H1 c.5473A>G; p.Ile1825Val variant (rs201860217), to our knowledge, is not reported in the medical literature but is reported in ClinVar (Variation ID: 283519). This variant is found in the general population with an overall allele frequency of 0.02% (55/270634 alleles) in the Genome Aggregation Database. Computational analyses are uncertain whether this variant is neutral or deleterious (REVEL: 0.371). Due to limited information, the clinical significance of the p.Ile1825Val variant is uncertain at this time.

Blueprint Genetics
Classification: Uncertain significance. Last evaluated: 2024-09-03. Review status: criteria provided, single submitter. Criteria: ACMG Guidelines, 2015. Collection method: clinical testing. Allele origin: germline.

Fulgent Genetics
Classification: Uncertain significance for Asphyxiating thoracic dystrophy 3. Last evaluated: 2023-12-27. Review status: criteria provided, single submitter. Criteria: ACMG Guidelines, 2015. Collection method: clinical testing. Allele origin: germline.

Labcorp Genetics (formerly Invitae), Labcorp
Classification: Uncertain significance for Jeune thoracic dystrophy. Last evaluated: 2022-10-24. Review status: criteria provided, single submitter. Criteria: Invitae Variant Classification Sherloc (09022015). Collection method: clinical testing. Allele origin: germline.
Comment: This sequence change replaces isoleucine, which is neutral and non-polar, with valine, which is neutral and non-polar, at codon 1825 of the DYNC2H1 protein (p.Ile1825Val). This variant is present in population databases (rs201860217, gnomAD 0.04%). This variant has not been reported in the literature in individuals affected with DYNC2H1-related conditions. ClinVar contains an entry for this variant (Variation ID: 283519). Algorithms developed to predict the effect of missense changes on protein structure and function (SIFT, PolyPhen-2, Align-GVGD) all suggest that this variant is likely to be disruptive. In summary, the available evidence is currently insufficient to determine the role of this variant in disease. Therefore, it has been classified as a Variant of Uncertain Significance.

Baylor Genetics
Classification: Uncertain significance for Asphyxiating thoracic dystrophy 3. Last evaluated: 2022-08-25. Review status: criteria provided, single submitter. Criteria: ACMG Guidelines, 2015. Collection method: clinical testing. Allele origin: unknown.

GeneDx
Classification: Uncertain significance. Last evaluated: 2019-08-14. Review status: criteria provided, single submitter. Criteria: GeneDx Variant Classification Process June 2021. Collection method: clinical testing. Allele origin: germline. Affected: yes.
Comment: In silico analysis, which includes protein predictors and evolutionary conservation, supports that this variant does not alter protein structure/function; Has not been previously published as pathogenic or benign to our knowledge

Eurofins Ntd Llc (ga)
Classification: Uncertain significance. Last evaluated: 2015-10-12. Review status: criteria provided, single submitter. Criteria: EGL Classification Definitions 2015. Collection method: clinical testing. Allele origin: germline. Observed: 1 variant allele, 1 heterozygote.

NM_001377.3(DYNC2H1):c.5473A>G (p.Ile1825Val)

Gene: DYNC2H1 (dynein cytoplasmic 2 heavy chain 1; plus strand). Cytogenetic location: 11q22.3.
Variant type: single nucleotide variant.
Coding change: c.5473A>G on transcript NM_001377.3 (MANE Select); coding-DNA position 5473, A replaced by G.
Protein change: p.Ile1825Val; replaces isoleucine 1825 with valine.
Molecular consequence: missense variant.
Genome position (GRCh38, 1-based): chr11:103,173,220, A>G. VCF-style: chr11-103173220-A-G. GRCh37 (hg19) VCF-style: chr11-103043949-A-G.
Other names: c.5473A>G, p.Ile1825Val (NM_001080463.2); short protein forms I1825V.
Identifiers: ClinVar variation 283519 (VCV000283519.23), dbSNP rs201860217, ClinGen allele CA6253768.